The following is an entry in ClinVar:

NM_001382391.1(CSPP1):c.2521_2524del (p.Ile841fs)

Gene: CSPP1 (centrosome and spindle pole associated protein 1; plus strand). Cytogenetic location: 8q13.2.
Variant type: Deletion.
Coding change: c.2521_2524del on transcript NM_001382391.1 (MANE Select); coding-DNA positions 2521 to 2524, 4 bases deleted (ATTG; older notation c.2521_2524delATTG).
Protein change: p.Ile841fs; shifts the reading frame from isoleucine 841.
Molecular consequence: frameshift variant.
Genome position (GRCh38, 1-based): chr8:67,159,120-67,159,123, ATTG deleted; deleting any 4 consecutive bases within chr8:67,159,117-67,159,123 gives the same sequence; the c. name uses the placement nearest the transcript's 3' end. VCF-style (leftmost placement, unchanged base first): chr8-67159116-TTTGA-T. GRCh37 (hg19) VCF-style: chr8-68071351-TTTGA-T.
Other names: c.1471_1474del, p.Ile491fs (NM_001291339.2); c.2440_2443del, p.Ile814fs (NM_001363131.2); c.2326_2329del, p.Ile776fs (NM_001363132.2); c.2245_2248del, p.Ile749fs (NM_001363133.2); c.2587_2590del, p.Ile863fs (NM_001364869.1); c.2407_2410del, p.Ile803fs (NM_001364870.1); c.2506_2509delATTG, p.Ile836Glyfs (NM_024790.7); c.2506_2509delATTG (NM_024790.6); short protein forms I749fs, I803fs, I841fs, I776fs, I814fs, I836fs, I491fs, I863fs.
Identifiers: ClinVar variation 1031405 (VCV001031405.7), dbSNP rs755739341, ClinGen allele CA4770853.

ClinVar aggregate classification (germline): Pathogenic/Likely pathogenic. Review status: criteria provided, multiple submitters, no conflicts (2 of 4 stars). 5 submissions from 5 submitters: Pathogenic (4); Likely pathogenic (1). Last evaluated 2026-01-30.

Conditions:
CSPP1-related disorder. Also called: CSPP1-related condition.
Joubert syndrome 21 (JBTS21). Identifiers: MedGen C3810212, MONDO:0014288, OMIM 615636.

Submissions (5):

GeneDx
Classification: Pathogenic. Last evaluated: 2026-01-30. Review status: criteria provided, single submitter. Criteria: GeneDx Variant Classification Process June 2021. Collection method: clinical testing. Allele origin: germline.
Comment: Frameshift variant predicted to result in protein truncation or nonsense mediated decay in a gene for which loss of function is a known mechanism of disease; Not observed at significant frequency in large population cohorts (gnomAD); Has not been previously published as pathogenic or benign in association with CSPP1-related disorders to our knowledge; This variant is associated with the following publications: (PMID: 31964843)

Daryl Scott Lab, Baylor College of Medicine
Classification: Pathogenic for Joubert syndrome 21. Last evaluated: 2025-08-25. Review status: criteria provided, single submitter. Criteria: ACMG Guidelines, 2015. Collection method: clinical testing. Allele origin: paternal. Affected: yes. Observed: 1 compound heterozygote.
Comment: PVS1, PS4, PM2, PM3;

Blueprint Genetics
Classification: Likely pathogenic for CSPP1-related disorders. Last evaluated: 2023-07-11. Review status: criteria provided, single submitter. Criteria: ACMG Guidelines, 2015. Collection method: clinical testing. Allele origin: germline. Affected: yes. Observed: 3 variant alleles.

Labcorp Genetics (formerly Invitae), Labcorp
Classification: Pathogenic for Joubert syndrome 21. Last evaluated: 2022-10-25. Review status: criteria provided, single submitter. Criteria: Invitae Variant Classification Sherloc (09022015). Collection method: clinical testing. Allele origin: germline.
Comment: This sequence change creates a premature translational stop signal (p.Ile836Glyfs*7) in the CSPP1 gene. It is expected to result in an absent or disrupted protein product. Loss-of-function variants in CSPP1 are known to be pathogenic (PMID: 24360807, 24360808). This variant is present in population databases (rs755739341, gnomAD 0.003%). This variant has not been reported in the literature in individuals affected with CSPP1-related conditions. ClinVar contains an entry for this variant (Variation ID: 1031405). For these reasons, this variant has been classified as Pathogenic.

Baylor Genetics
Classification: Pathogenic for Joubert syndrome 21. Last evaluated: 2018-05-11. Review status: criteria provided, single submitter. Criteria: ACMG Guidelines, 2015. Collection method: clinical testing. Allele origin: unknown. Affected: yes.
Comment: This variant was determined to be pathogenic according to ACMG Guidelines, 2015 [PMID:25741868]. The c.2244_2245delAA (p.E750Gfs*30) variant has been previously reported as disease causing in individuals with Joubert syndrome [PMID 24360807, 27894351, 24360808]

Literature cited by the submitters: PubMed 24360807 (cited by Labcorp Genetics (formerly Invitae), Labcorp and Baylor Genetics); PubMed 24360808 (cited by Labcorp Genetics (formerly Invitae), Labcorp and Baylor Genetics); PubMed 27894351 (cited by Baylor Genetics).